The following is an entry in ClinVar:

ClinVar aggregate classification (germline): Uncertain significance (1 of 4 stars; one submission).

Conditions:
Joubert syndrome. Also called: CEREBELLOPARENCHYMAL DISORDER IV; JOUBERT-BOLTSHAUSER SYNDROME; Familial aplasia of the vermis. Identifiers: Orphanet 475, MedGen C5979921, MONDO:0018772.
Meckel-Gruber syndrome. Also called: DYSENCEPHALIA SPLANCHNOCYSTICA; GRUBER SYNDROME; Dysencephalia splachnocystica. Identifiers: Orphanet 564, MedGen C0265215, MONDO:0018921.

Submission:

Labcorp Genetics (formerly Invitae), Labcorp
Classification: Uncertain significance for Joubert syndrome; Meckel-Gruber syndrome. Last evaluated: 2022-08-31. Review status: criteria provided, single submitter. Criteria: Invitae Variant Classification Sherloc (09022015). Collection method: clinical testing. Allele origin: germline.
Comment: In summary, the available evidence is currently insufficient to determine the role of this variant in disease. Therefore, it has been classified as a Variant of Uncertain Significance. Algorithms developed to predict the effect of missense changes on protein structure and function output the following: SIFT: "Tolerated"; PolyPhen-2: "Benign"; Align-GVGD: "Class C0". The leucine amino acid residue is found in multiple mammalian species, which suggests that this missense change does not adversely affect protein function. ClinVar contains an entry for this variant (Variation ID: 1394091). This variant has not been reported in the literature in individuals affected with TCTN1-related conditions. This variant is not present in population databases (gnomAD no frequency). This sequence change replaces valine, which is neutral and non-polar, with leucine, which is neutral and non-polar, at codon 454 of the TCTN1 protein (p.Val454Leu).

NM_001082538.3(TCTN1):c.1360G>T (p.Val454Leu)

Gene: TCTN1 (tectonic family member 1; plus strand). Cytogenetic location: 12q24.11.
Variant type: single nucleotide variant.
Coding change: c.1360G>T on transcript NM_001082538.3 (MANE Select); coding-DNA position 1360, G replaced by T.
Protein change: p.Val454Leu; replaces valine 454 with leucine.
Molecular consequence: missense variant. On other transcripts: non-coding transcript variant (1).
Genome position (GRCh38, 1-based): chr12:110,644,995, G>T. VCF-style: chr12-110644995-G-T. GRCh37 (hg19) VCF-style: chr12-111082800-G-T.
Other names: c.1360G>T, p.Val454Leu (NM_001082537.3); c.1192G>T, p.Val398Leu (NM_001173975.3); c.1033G>T, p.Val345Leu (NM_001173976.2); c.1213G>T, p.Val405Leu (NM_001319680.2); c.826G>T, p.Val276Leu (NM_001319681.2); c.1318G>T, p.Val440Leu (NM_024549.6); short protein forms V276L, V454L, V398L, V405L, V345L, V440L.
Identifiers: ClinVar variation 1394091 (VCV001394091.6), dbSNP rs369759157, ClinGen allele CA386705689.